The following is an entry in ClinVar:

ClinVar aggregate classification (germline): Pathogenic (1 of 4 stars; one submission).

Allele frequency attached by ClinVar (database versions not stated): gnomAD exomes below 0.00001.
gnomAD v4.1: 4 of 1,584,324 alleles (0.00025%); highest among the groups gnomAD compares: Non-Finnish European, 0.00034%; no homozygotes.

Submission:

Labcorp Genetics (formerly Invitae), Labcorp
Classification: Pathogenic. Last evaluated: 2024-06-03. Review status: criteria provided, single submitter. Criteria: Invitae Variant Classification Sherloc (09022015). Collection method: clinical testing. Allele origin: germline.
Comment: This sequence change creates a premature translational stop signal (p.Arg644*) in the NUP107 gene. It is expected to result in an absent or disrupted protein product. Loss-of-function variants in NUP107 are known to be pathogenic (PMID: 27190346). This variant is not present in population databases (gnomAD no frequency). This variant has not been reported in the literature in individuals affected with NUP107-related conditions. ClinVar contains an entry for this variant (Variation ID: 2104545). Algorithms developed to predict the effect of sequence changes on RNA splicing suggest that this variant may disrupt the consensus splice site. For these reasons, this variant has been classified as Pathogenic.

Literature cited by the submitters: PubMed 27190346.

NM_020401.4(NUP107):c.1930C>T (p.Arg644Ter)

Gene: NUP107 (nucleoporin 107; plus strand). Cytogenetic location: 12q15.
Variant type: single nucleotide variant.
Coding change: c.1930C>T on transcript NM_020401.4 (MANE Select); coding-DNA position 1930, C replaced by T.
Protein change: p.Arg644Ter; replaces arginine 644 with a stop codon.
Molecular consequence: nonsense.
Genome position (GRCh38, 1-based): chr12:68,731,651, C>T. VCF-style: chr12-68731651-C-T. GRCh37 (hg19) VCF-style: chr12-69125431-C-T.
Other names: c.1843C>T, p.Arg615Ter (NM_001330192.2); short protein forms R615*, R644*.
Identifiers: ClinVar variation 2104545 (VCV002104545.4), dbSNP rs1430547081, ClinGen allele CA385698140.
Genomic context (GRCh38, chr12:68,731,651, plus strand): 5'-TCAAAAAATTATTTAGATTTGGATGTTGCAACAATAACAAAAACTGTAGTTGAGAATATT[C>T]GAAAGAAAGATAATGGTGAATTTAGTCATCATGACCTGGCCCCAGCCCTAGATACTGGCA-3'